The following is an entry in ClinVar:

NM_014846.4(WASHC5):c.2097+6A>G

Gene: WASHC5 (WASH complex subunit 5; minus strand). Cytogenetic location: 8q24.13.
Variant type: single nucleotide variant.
Coding change: c.2097+6A>G on transcript NM_014846.4 (MANE Select); 6 bases into the intron after coding-DNA position 2097, A replaced by G.
Molecular consequence: intron variant.
Genome position (GRCh38, 1-based): chr8:125,055,585, T>C on the plus strand (A>G on the coding strand, the complement: WASHC5 is on the minus strand). VCF-style: chr8-125055585-T-C. GRCh37 (hg19) VCF-style: chr8-126067827-T-C.
Other names: c.1653+6A>G (NM_001330609.2).
Identifiers: ClinVar variation 3339706 (VCV003339706.3).

ClinVar aggregate classification (germline): Uncertain significance. Review status: criteria provided, multiple submitters, no conflicts (2 of 4 stars). 2 submissions from 2 submitters: Uncertain significance (2). Last evaluated 2024-07-19.

Conditions:
Ritscher-Schinzel syndrome. Also called: CRANIOCEREBELLOCARDIAC DYSPLASIA. Identifiers: Orphanet 7, MedGen C0796137, MONDO:0019078.
Hereditary spastic paraplegia 8 (SPG8). Also called: SPASTIC PARAPLEGIA 8, AUTOSOMAL DOMINANT. Identifiers: Orphanet 100989, MedGen C1863704, MONDO:0011339, OMIM 603563.

gnomAD v4.1: 3 of 1,587,348 alleles (0.00019%); highest among the groups gnomAD compares: African/African-American, 0.0013%; no homozygotes.

Submissions (2):

Labcorp Genetics (formerly Invitae), Labcorp
Classification: Uncertain significance for Ritscher-Schinzel syndrome; Hereditary spastic paraplegia 8. Last evaluated: 2024-07-19. Review status: criteria provided, single submitter. Criteria: Invitae Variant Classification Sherloc (09022015). Collection method: clinical testing. Allele origin: germline.
Comment: This sequence change falls in intron 17 of the WASHC5 gene. It does not directly change the encoded amino acid sequence of the WASHC5 protein. It affects a nucleotide within the consensus splice site. This variant is not present in population databases (gnomAD no frequency). This variant has not been reported in the literature in individuals affected with WASHC5-related conditions. Variants that disrupt the consensus splice site are a relatively common cause of aberrant splicing (PMID: 17576681, 9536098). Algorithms developed to predict the effect of sequence changes on RNA splicing suggest that this variant is not likely to affect RNA splicing. In summary, the available evidence is currently insufficient to determine the role of this variant in disease. Therefore, it has been classified as a Variant of Uncertain Significance.

Women's Health and Genetics/Laboratory Corporation of America, LabCorp
Classification: Uncertain significance. Last evaluated: 2024-06-06. Review status: criteria provided, single submitter. Criteria: LabCorp Variant Classification Summary - May 2015. Collection method: clinical testing. Allele origin: germline.
Comment: Variant summary: KIAA0196 c.2097+6A>G alters a non-conserved nucleotide located close to a canonical splice site and therefore could affect mRNA splicing, leading to a significantly altered protein sequence. Consensus agreement among computation tools predict no significant impact on normal splicing. However, these predictions have yet to be confirmed by functional studies. The variant was absent in 282744 control chromosomes. The available data on variant occurrences in the general population are insufficient to allow any conclusion about variant significance. To our knowledge, no occurrence of c.2097+6A>G in individuals affected with Ritscher-Schinzel Syndrome 1 and no experimental evidence demonstrating its impact on protein function have been reported. No submitters have cited clinical-significance assessments for this variant to ClinVar. Based on the evidence outlined above, the variant was classified as uncertain significance.

Literature cited by the submitters: PubMed 17576681 (cited by Labcorp Genetics (formerly Invitae), Labcorp); PubMed 9536098 (cited by Labcorp Genetics (formerly Invitae), Labcorp).